The following is an entry in ClinVar:

NM_002181.4(IHH):c.877A>G (p.Thr293Ala)

Gene: IHH (Indian hedgehog signaling molecule; minus strand). Cytogenetic location: 2q35.
Variant type: single nucleotide variant.
Coding change: c.877A>G on transcript NM_002181.4 (MANE Select); coding-DNA position 877, A replaced by G.
Protein change: p.Thr293Ala; replaces threonine 293 with alanine.
Molecular consequence: missense variant.
Genome position (GRCh38, 1-based): chr2:219,055,566, T>C on the plus strand (A>G on the coding strand, the complement: IHH is on the minus strand). VCF-style: chr2-219055566-T-C. GRCh37 (hg19) VCF-style: chr2-219920288-T-C.
Other names: c.877A>G (NM_002181.3); short protein forms T293A.
Identifiers: ClinVar variation 2727288 (VCV002727288.3), dbSNP rs969196812, ClinGen allele CA65947993.
Genomic context (GRCh38, chr2:219,055,566, plus strand): 5'-GCAGGCCTGGCACCCCAGCCACCAGCACGTACTGGCCAGGCTGCACGTGGCTGGCAAATG[T>C]GGCCCGGAAGCGGGCTGCCGGCTCCGTGTGATTGTCAGCCGTAAAGAGCAGGTGAGCGGG-3'
Protein context (NP_002172.2, residues 283-303): HTEPAARFRA[Thr293Ala]FASHVQPGQY

ClinVar aggregate classification (germline): Uncertain significance. Review status: criteria provided, multiple submitters, no conflicts (2 of 4 stars). 2 submissions from 2 submitters: Uncertain significance (2). Last evaluated 2024-11-24.

Conditions:
Inborn genetic diseases. Identifiers: MedGen C0950123, MeSH D030342.

Allele frequency attached by ClinVar (database versions not stated): gnomAD exomes below 0.00001; gnomAD 0.00001; TOPMed 0.00001.
gnomAD v4.1: 9 of 1,612,872 alleles (0.00056%); highest among the groups gnomAD compares: South Asian, 0.0033%; no homozygotes.

Submissions (2):

Ambry Genetics
Classification: Uncertain significance for Inborn genetic diseases. Last evaluated: 2024-11-24. Review status: criteria provided, single submitter. Criteria: Ambry Variant Classification Scheme 2023. Collection method: clinical testing. Allele origin: germline.

Labcorp Genetics (formerly Invitae), Labcorp
Classification: Uncertain significance. Last evaluated: 2024-10-17. Review status: criteria provided, single submitter. Criteria: Invitae Variant Classification Sherloc (09022015). Collection method: clinical testing. Allele origin: germline.
Comment: This sequence change replaces threonine, which is neutral and polar, with alanine, which is neutral and non-polar, at codon 293 of the IHH protein (p.Thr293Ala). The frequency data for this variant in the population databases is considered unreliable, as metrics indicate poor data quality at this position in the gnomAD database. This variant has not been reported in the literature in individuals affected with IHH-related conditions. Invitae Evidence Modeling of protein sequence and biophysical properties (such as structural, functional, and spatial information, amino acid conservation, physicochemical variation, residue mobility, and thermodynamic stability) indicates that this missense variant is not expected to disrupt IHH protein function with a negative predictive value of 80%. In summary, the available evidence is currently insufficient to determine the role of this variant in disease. Therefore, it has been classified as a Variant of Uncertain Significance.